The following is an entry in ClinVar:

NM_001110556.2(FLNA):c.2789ACA[1] (p.Asn931del)

Gene: FLNA (filamin A; minus strand). Cytogenetic location: Xq28.
Variant type: Microsatellite.
Coding change: c.2789ACA[1] on transcript NM_001110556.2 (MANE Select); one copy of the 3-base unit ACA starting at c.2789; the reference has two copies in a row; one copy, 3 bases deleted.
Protein change: p.Asn931del; deletes asparagine 931.
Molecular consequence: inframe deletion.
Genome position (GRCh38, 1-based): chrX:154,362,011-154,362,013, TGT deleted on the plus strand (ACA on the coding strand, the reverse complement: FLNA is on the minus strand); deleting any 3 consecutive bases within chrX:154,362,011-154,362,016 gives the same sequence; the position shown is the placement nearest the transcript's 3' end. VCF-style (leftmost placement, unchanged base first): chrX-154362010-GTGT-G. GRCh37 (hg19) VCF-style: chrX-153590378-GTGT-G.
Other names: c.2789ACA[1], p.Asn931del (NM_001456.4); short protein forms N931del.
Identifiers: ClinVar variation 2954539 (VCV002954539.3), dbSNP rs2522746829, ClinGen allele CA2740090198.
Genomic context (GRCh38, chrX:154,362,010, plus strand): 5'-TCGGTGACTGTAGTGGAGGGTGTGGCTACCTGCTGGACAGGCGTGTACTTGACTGTGTAG[GTGT>G]TGTCATGGTGGTCGATGATGTCCACATCTCGCACTGCATCCCCCTTGGTGAGTCCTGAGA-3'

ClinVar aggregate classification (germline): Uncertain significance (1 of 4 stars; one submission).

Conditions:
Heterotopia, periventricular, X-linked dominant (PVNH1). Also called: PERIVENTRICULAR NODULAR HETEROTOPIA 1; X-linked periventricular heterotopia; PERIVENTRICULAR NODULAR HETEROTOPIA 4; HETEROTOPIA, PERIVENTRICULAR, 1. Identifiers: Orphanet 2149, Orphanet 82004, MedGen C1848213, MONDO:0010233, OMIM 300049.
Melnick-Needles syndrome (MNS). Also called: Melnick-Needles Syndrome (FLNA-MNS); MELNICK-NEEDLES OSTEODYSPLASTY; OSTEODYSPLASTY OF MELNICK AND NEEDLES. Identifiers: Orphanet 2484, MedGen C0025237, MONDO:0010650, OMIM 309350.
Frontometaphyseal dysplasia (FMD1). Identifiers: Orphanet 1826, MedGen C0265293, MONDO:0015942.
Oto-palato-digital syndrome, type II (OPD2). Also called: Otopalatodigital Syndrome Type 2 (FLNA-OPD2); FACIOPALATOOSSEOUS SYNDROME; OPD II SYNDROME; Otopalatodigital Syndrome, Type II. Identifiers: Orphanet 669, Orphanet 90652, MedGen C1844696, MONDO:0010571, OMIM 304120.

Submission:

Labcorp Genetics (formerly Invitae), Labcorp
Classification: Uncertain significance for Oto-palato-digital syndrome, type II; Heterotopia, periventricular, X-linked dominant; Frontometaphyseal dysplasia; Melnick-Needles syndrome. Last evaluated: 2024-05-06. Review status: criteria provided, single submitter. Criteria: Invitae Variant Classification Sherloc (09022015). Collection method: clinical testing. Allele origin: germline.
Comment: This variant, c.2792_2794del, results in the deletion of 1 amino acid(s) of the FLNA protein (p.Asn931del), but otherwise preserves the integrity of the reading frame. This variant is not present in population databases (gnomAD no frequency). This variant has not been reported in the literature in individuals affected with FLNA-related conditions. Experimental studies and prediction algorithms are not available or were not evaluated, and the functional significance of this variant is currently unknown. In summary, the available evidence is currently insufficient to determine the role of this variant in disease. Therefore, it has been classified as a Variant of Uncertain Significance.